The following is an entry in ClinVar:

NM_001161352.2(KCNMA1):c.2547C>T (p.Asp849=)

Genes: KCNMA1 (potassium calcium-activated channel subfamily M alpha 1; minus strand), KCNMA1-AS1 (KCNMA1 antisense RNA 1; plus strand). Cytogenetic location: 10q22.3.
Variant type: single nucleotide variant.
Coding change: c.2547C>T on transcript NM_001161352.2 (MANE Select); coding-DNA position 2547, C replaced by T.
Protein change: p.Asp849=; no amino-acid change (aspartic acid 849 retained).
Molecular consequence: synonymous variant.
Genome position (GRCh38, 1-based): chr10:76,949,304, G>A on the plus strand (C>T on the coding strand, the complement: KCNMA1 is on the minus strand). VCF-style: chr10-76949304-G-A. GRCh37 (hg19) VCF-style: chr10-78709062-G-A.
Other names: c.2385C>T, p.Asp795= (NM_001014797.3, NM_001322835.2, NM_001322837.2); c.2496C>T, p.Asp832= (NM_001161353.2); c.2223C>T, p.Asp741= (NM_001271518.2); c.2382C>T, p.Asp794= (NM_001271519.2, NM_001322829.2, NM_001322836.2); c.2394C>T, p.Asp798= (NM_001322830.2); c.2373C>T, p.Asp791= (NM_001322832.2, NM_002247.4); c.1920C>T, p.Asp640= (NM_001322838.2).
Identifiers: ClinVar variation 287045 (VCV000287045.58), dbSNP rs147369374, ClinGen allele CA5568040.

ClinVar aggregate classification (germline): Conflicting classifications of pathogenicity. Review status: criteria provided, conflicting classifications (1 of 4 stars). 7 submissions from 7 submitters: Uncertain significance (1); Likely benign (6). Last evaluated 2026-01-11.

Conditions:
KCNMA1-related disorder. Also called: KCNMA1-related disorders; KCNMA1-related condition.
Generalized epilepsy-paroxysmal dyskinesia syndrome (PNKD3). Also called: Generalized epilepsy and paroxysmal dyskinesia; Paroxysmal nonkinesigenic dyskinesia, 3, with or without generalized epilepsy. Identifiers: Orphanet 79137, MedGen C5574945, MONDO:0012276, OMIM 609446.

Allele frequency attached by ClinVar (database versions not stated): 1000 Genomes Project 30x 0.00016; 1000 Genomes Project 0.00020; gnomAD 0.00041; ESP Exome Variant Server 0.00046; TOPMed 0.00046.

Submissions (7):

Labcorp Genetics (formerly Invitae), Labcorp
Classification: Likely benign for Generalized epilepsy-paroxysmal dyskinesia syndrome. Last evaluated: 2026-01-11. Review status: criteria provided, single submitter. Criteria: Invitae Variant Classification Sherloc (09022015). Collection method: clinical testing. Allele origin: germline.

CeGaT Center for Human Genetics Tuebingen
Classification: Likely benign. Last evaluated: 2025-07-01. Review status: criteria provided, single submitter. Criteria: CeGaT Center For Human Genetics Tuebingen Variant Classification Criteria Version 2. Collection method: clinical testing. Allele origin: germline. Affected: yes. Observed: 7 variant alleles.
Comment: KCNMA1: BP4, BP7

PreventionGenetics, part of Exact Sciences
Classification: Likely benign for KCNMA1-related condition. Last evaluated: 2025-05-20. Review status: criteria provided, single submitter. Criteria: ACMG Guidelines, 2015. Collection method: clinical testing. Allele origin: germline.
Comment: This variant is classified as likely benign based on ACMG/AMP sequence variant interpretation guidelines (Richards et al. 2015 PMID: 25741868, with internal and published modifications).

Blueprint Genetics
Classification: Likely benign. Last evaluated: 2024-11-18. Review status: criteria provided, single submitter. Criteria: ACMG Guidelines, 2015. Collection method: clinical testing. Allele origin: germline.

GeneDx
Classification: Likely benign. Last evaluated: 2020-09-15. Review status: criteria provided, single submitter. Criteria: GeneDx Variant Classification Process June 2021. Collection method: clinical testing. Allele origin: germline. Affected: yes.

Illumina Laboratory Services, Illumina
Classification: Uncertain significance for Generalized epilepsy-paroxysmal dyskinesia syndrome. Last evaluated: 2018-01-13. Review status: criteria provided, single submitter. Criteria: ICSL Variant Classification Criteria 13 December 2019. Collection method: clinical testing. Allele origin: germline.

Eurofins Ntd Llc (ga)
Classification: Likely benign. Last evaluated: 2016-03-31. Review status: criteria provided, single submitter. Criteria: EGL Classification Definitions 2015. Collection method: clinical testing. Allele origin: germline. Observed: 2 variant alleles, 2 heterozygotes.